The following is an entry in ClinVar:

ClinVar aggregate classification (germline): Uncertain significance (1 of 4 stars; one submission).

Submission:

Labcorp Genetics (formerly Invitae), Labcorp
Classification: Uncertain significance. Last evaluated: 2025-10-02. Review status: criteria provided, single submitter. Criteria: Invitae Variant Classification Sherloc (09022015). Collection method: clinical testing. Allele origin: germline.
Comment: This sequence change replaces cysteine, which is neutral and slightly polar, with glycine, which is neutral and non-polar, at codon 1569 of the MCM3AP protein (p.Cys1569Gly). This variant is not present in population databases (gnomAD no frequency). This variant has not been reported in the literature in individuals affected with MCM3AP-related conditions. ClinVar contains an entry for this variant (Variation ID: 2807796). An algorithm developed to predict the effect of missense changes on protein structure and function (PolyPhen-2) suggests that this variant is likely to be disruptive. In summary, the available evidence is currently insufficient to determine the role of this variant in disease. Therefore, it has been classified as a Variant of Uncertain Significance.

NM_003906.5(MCM3AP):c.4705T>G (p.Cys1569Gly)

Genes: MCM3AP (minichromosome maintenance complex component 3 associated protein; minus strand), MCM3AP-AS1 (MCM3AP antisense RNA 1; plus strand). Cytogenetic location: 21q22.3.
Variant type: single nucleotide variant.
Coding change: c.4705T>G on transcript NM_003906.5 (MANE Select); coding-DNA position 4705, T replaced by G.
Protein change: p.Cys1569Gly; replaces cysteine 1569 with glycine.
Molecular consequence: missense variant.
Genome position (GRCh38, 1-based): chr21:46,245,140, A>C on the plus strand (T>G on the coding strand, the complement: MCM3AP is on the minus strand). VCF-style: chr21-46245140-A-C. GRCh37 (hg19) VCF-style: chr21-47665054-A-C.
Other names: short protein forms C1569G.
Identifiers: ClinVar variation 2807796 (VCV002807796.3), dbSNP rs2517320090, ClinGen allele CA410543852.